The following is an entry in ClinVar:

ClinVar aggregate classification (germline): Conflicting classifications of pathogenicity. Review status: criteria provided, conflicting classifications (1 of 4 stars). 4 submissions from 4 submitters: Uncertain significance (3); Likely benign (1). Last evaluated 2026-04-06.

Conditions:
Maturity-onset diabetes of the young type 3. Also called: MODY type 3; MODY, type III. Identifiers: Orphanet 552, MedGen C1838100, MeSH C563933, MONDO:0010894, OMIM 600496. Disease mechanism: loss of function.
Diabetes mellitus type 1 (T1D). Also called: Diabetes Mellitus, Juvenile-Onset; Type I diabetes mellitus. Identifiers: MedGen C0011854, MONDO:0005147, OMIM 222100, HP:0100651.
Type 2 diabetes mellitus. Also called: Type II diabetes mellitus. Identifiers: MedGen C0011860, MeSH D003924, MONDO:0005148, OMIM 125853, HP:0005978.
Hepatic adenomas, familial. Also called: LIVER CELL ADENOMAS, FAMILIAL; HEPATIC ADENOMA, SOMATIC. Identifiers: MedGen C1840646, MONDO:0007718, OMIM 142330.
Type 1 diabetes mellitus 20 (T1D20). Also called: Diabetes mellitus, insulin-dependent, 20. Identifiers: MedGen C2675866, MONDO:0012919, OMIM 612520.
Nonpapillary renal cell carcinoma. Identifiers: Orphanet 422526, MedGen CN074294, MONDO:0007763, OMIM 144700.

Allele frequency attached by ClinVar (database versions not stated): gnomAD 0.00004; gnomAD exomes 0.00005 and 0.00010; TOPMed 0.00006; ESP Exome Variant Server 0.00008; ExAC 0.00014.
gnomAD v4.1: 79 of 1,614,104 alleles (0.0049%); highest among the groups gnomAD compares: Middle Eastern, 0.082%; no homozygotes.

Submissions (4):

Dasa
Classification: Uncertain significance. Last evaluated: 2026-04-06. Review status: criteria provided, single submitter. Criteria: DASA Assertion Criteria. Collection method: clinical testing. Allele origin: germline.
Comment: NM_000545.8(HNF1A):c.481G>A (p.Ala161Thr) is a missense variant that results in the substitution of alanine with threonine. The affected residue or protein region has prior evidence supporting clinical relevance. This variant is rare in population databases. Computational prediction algorithms are consistent with a deleterious effect. The currently available literature and clinical evidence are not sufficient to establish a definitive association between this variant and the reported condition. Therefore, this variant is classified as a variant of uncertain significance.

Labcorp Genetics (formerly Invitae), Labcorp
Classification: Likely benign. Last evaluated: 2025-11-25. Review status: criteria provided, single submitter. Criteria: Invitae Variant Classification Sherloc (09022015). Collection method: clinical testing. Allele origin: germline.

Fulgent Genetics
Classification: Uncertain significance for Type 2 diabetes mellitus; Hepatic adenomas, familial; Nonpapillary renal cell carcinoma; Diabetes mellitus type 1; Maturity-onset diabetes of the young type 3; Type 1 diabetes mellitus 20. Last evaluated: 2024-03-01. Review status: criteria provided, single submitter. Criteria: ACMG Guidelines, 2015. Collection method: clinical testing. Allele origin: germline.

Broad Center for Mendelian Genomics, Broad Institute of MIT and Harvard
Classification: Uncertain significance for Maturity-onset diabetes of the young type 3. Last evaluated: 2020-01-22. Review status: criteria provided, single submitter. Criteria: ACMG Guidelines, 2015. Collection method: curation. Allele origin: germline. Inheritance: Autosomal dominant inheritance.
Comment: The p.Ala161Thr variant in HNF1A has not been previously reported in individuals with maturity-onset diabetes of the young and has been identified in 0.02% (20/113638) of European (non-Finnish) chromosomes, 0.007% (2/30616) of South Asian chromosomes, and 0.003% (1/34584) of Latino chromosomes by the Genome Aggregation Database (gnomAD; dbSNP rs201095611). Computational prediction tools and conservation analyses suggest that this variant may impact the protein, though this information is not predictive enough to determine pathogenicity. In summary, while the clinical significance of the p.Ala161Thr variant is uncertain, these data suggest that it is more likely to be benign. ACMG/AMP Criteria applied: BA1, PP3 (Richards 2015).

NM_000545.8(HNF1A):c.481G>A (p.Ala161Thr)

Gene: HNF1A (HNF1 homeobox A; plus strand). Cytogenetic location: 12q24.31.
Variant type: single nucleotide variant.
Coding change: c.481G>A on transcript NM_000545.8 (MANE Select); coding-DNA position 481, G replaced by A.
Protein change: p.Ala161Thr; replaces alanine 161 with threonine.
Molecular consequence: missense variant.
Genome position (GRCh38, 1-based): chr12:120,988,987, G>A. VCF-style: chr12-120988987-G-A. GRCh37 (hg19) VCF-style: chr12-121426790-G-A.
Other names: c.481G>A, p.Ala161Thr (NM_001306179.2); short protein forms A161T.
Identifiers: ClinVar variation 972757 (VCV000972757.10), dbSNP rs201095611, ClinGen allele CA6831757.
Genomic context (GRCh38, chr12:120,988,987, plus strand): 5'-CAGTCCCACCTGTCCCAACACCTCAACAAGGGCACTCCCATGAAGACGCAGAAGCGGGCC[G>A]CCCTGTACACCTGGTACGTCCGCAAGCAGCGAGAGGTGGCGCAGCGTAAGTAATGACCCT-3'
Protein context (NP_000536.6, residues 151-171): GTPMKTQKRA[Ala161Thr]LYTWYVRKQR